The following is an entry in ClinVar:

NM_002471.4(MYH6):c.3303G>A (p.Val1101=)

Gene: MYH6 (myosin heavy chain 6; minus strand). Cytogenetic location: 14q11.2.
Variant type: single nucleotide variant.
Coding change: c.3303G>A on transcript NM_002471.4 (MANE Select); coding-DNA position 3303, G replaced by A.
Protein change: p.Val1101=; no amino-acid change (valine 1101 retained).
Molecular consequence: synonymous variant.
Genome position (GRCh38, 1-based): chr14:23,392,601, C>T on the plus strand (G>A on the coding strand, the complement: MYH6 is on the minus strand). VCF-style: chr14-23392601-C-T. GRCh37 (hg19) VCF-style: chr14-23861810-C-T.
Identifiers: ClinVar variation 178069 (VCV000178069.40), dbSNP rs143825034, ClinGen allele CA181326.

ClinVar aggregate classification (germline): Conflicting classifications of pathogenicity. Review status: criteria provided, conflicting classifications (1 of 4 stars). 7 submissions from 7 submitters: Uncertain significance (1); Benign (2); Likely benign (4). Last evaluated 2024-06-27.

Conditions:
Cardiovascular phenotype. Identifiers: MedGen CN230736.
Cardiomyopathy (CMYO). Also called: Cardiomyopathies. Identifiers: Orphanet 167848, MedGen C0878544, MONDO:0004994, HP:0001638. Inheritance: Various modes of inheritance.

Allele frequency attached by ClinVar (database versions not stated): gnomAD exomes 0.00007 and 0.00019; ExAC 0.00021; ESP Exome Variant Server 0.00031; 1000 Genomes Project 0.00040; 1000 Genomes Project 30x 0.00047; TOPMed 0.00082; gnomAD 0.00088 and 0.00095.
gnomAD v4.1: 239 of 1,613,024 alleles (0.015%); highest among the groups gnomAD compares: African/African-American, 0.28%; no homozygotes.

Submissions (7):

Blueprint Genetics
Classification: Likely benign. Last evaluated: 2024-06-27. Review status: criteria provided, single submitter. Criteria: ACMG Guidelines, 2015. Collection method: clinical testing. Allele origin: germline.

ARUP Laboratories, Molecular Genetics and Genomics, ARUP Laboratories
Classification: Benign. Last evaluated: 2023-10-14. Review status: criteria provided, single submitter. Criteria: ARUP Molecular Germline Variant Investigation Process 2024. Collection method: clinical testing. Allele origin: germline.

CeGaT Center for Human Genetics Tuebingen
Classification: Benign. Last evaluated: 2022-10-01. Review status: criteria provided, single submitter. Criteria: CeGaT Center For Human Genetics Tuebingen Variant Classification Criteria Version 2. Collection method: clinical testing. Allele origin: germline. Affected: yes. Observed: 1 variant allele.
Comment: MYH6: BS1, BS2

Ambry Genetics
Classification: Likely benign for Cardiovascular phenotype. Last evaluated: 2019-08-29. Review status: criteria provided, single submitter. Criteria: Ambry Variant Classification Scheme 2023. Collection method: clinical testing. Allele origin: germline.

GeneDx
Classification: Likely benign. Last evaluated: 2018-05-25. Review status: criteria provided, single submitter. Criteria: GeneDx Variant Classification (06012015). Collection method: clinical testing. Allele origin: germline. Affected: yes.
Comment: This variant is considered likely benign or benign based on one or more of the following criteria: it is a conservative change, it occurs at a poorly conserved position in the protein, it is predicted to be benign by multiple in silico algorithms, and/or has population frequency not consistent with disease.

CHEO Genetics Diagnostic Laboratory, Children's Hospital of Eastern Ontario
Classification: Uncertain significance for Cardiomyopathy. Last evaluated: 2016-11-25. Review status: criteria provided, single submitter. Criteria: ACMG Guidelines, 2015. Collection method: clinical testing. Allele origin: germline. Study: Canadian Open Genetics Repository.

Laboratory for Molecular Medicine, Mass General Brigham Personalized Medicine
Classification: Likely benign. Last evaluated: 2015-04-18. Review status: criteria provided, single submitter. Criteria: LMM Criteria. Collection method: clinical testing. Allele origin: germline. Observed: 3 variant alleles.
Comment: p.Val1101Val in exon 25 of MYH6: This variant is not expected to have clinical s ignificance because it does not alter an amino acid residue and is not located w ithin the splice consensus sequence. It has been identified in 0.2% (22/10406) o f African chromosomes by the Exome Aggregation Consortium (ExAC; dbSNP rs143825034).